The following is an entry in ClinVar:

NM_000368.5(TSC1):c.1489G>A (p.Val497Met)

Gene: TSC1 (TSC complex subunit 1; minus strand). Cytogenetic location: 9q34.13.
Variant type: single nucleotide variant.
Coding change: c.1489G>A on transcript NM_000368.5 (MANE Select); coding-DNA position 1489, G replaced by A.
Protein change: p.Val497Met; replaces valine 497 with methionine.
Molecular consequence: missense variant.
Genome position (GRCh38, 1-based): chr9:132,906,089, C>T on the plus strand (G>A on the coding strand, the complement: TSC1 is on the minus strand). VCF-style: chr9-132906089-C-T. GRCh37 (hg19) VCF-style: chr9-135781476-C-T.
Other names: c.1486G>A, p.Val496Met (NM_001162426.2); c.1336G>A, p.Val446Met (NM_001162427.2); c.1126G>A, p.Val376Met (NM_001362177.2); short protein forms V497M, V446M, V496M, V376M.
Identifiers: ClinVar variation 466030 (VCV000466030.11), dbSNP rs946491568, ClinGen allele CA375365418.
Genomic context (GRCh38, chr9:132,906,089, plus strand): 5'-GCTGAGAACCTGGGAGACTGTCTCGGTAAAAGGGAGAGTCAAAGCCTCCTCGAGGAACCA[C>T]AGGCTCTGCCTCTGCTGTGGTGATCTCAGAAAGTTCTCTAGATATTGCAGCTGAGAGGAA-3'
Protein context (NP_000359.1, residues 487-507): SEITTAEAEP[Val497Met]VPRGGFDSPF

ClinVar aggregate classification (germline): Conflicting classifications of pathogenicity. Review status: criteria provided, conflicting classifications (1 of 4 stars). 3 submissions from 3 submitters: Uncertain significance (2); Likely benign (1). Last evaluated 2026-06-22.

Conditions:
Tuberous sclerosis 1 (TSC1). Identifiers: Orphanet 805, MedGen C1854465, MONDO:0008612, OMIM 191100.
Hereditary cancer-predisposing syndrome. Also called: Neoplastic Syndromes, Hereditary; Hereditary neoplastic syndrome; Hereditary Cancer Syndrome; Tumor predisposition. Identifiers: Orphanet 140162, MedGen C0027672, MeSH D009386, MONDO:0015356.
Tuberous sclerosis syndrome (TSC). Also called: Tuberous Sclerosis Complex; Tuberous sclerosis. Identifiers: Orphanet 805, MedGen C0041341, MONDO:0001734.

Submissions (3):

Ambry Genetics
Classification: Likely benign for Hereditary cancer-predisposing syndrome. Last evaluated: 2026-06-22. Review status: criteria provided, single submitter. Criteria: Ambry Variant Classification Scheme 2023. Collection method: clinical testing. Allele origin: germline.

Labcorp Genetics (formerly Invitae), Labcorp
Classification: Uncertain significance for Tuberous sclerosis 1. Last evaluated: 2026-02-03. Review status: criteria provided, single submitter. Criteria: Invitae Variant Classification Sherloc (09022015). Collection method: clinical testing. Allele origin: germline.
Comment: This sequence change replaces valine, which is neutral and non-polar, with methionine, which is neutral and non-polar, at codon 497 of the TSC1 protein (p.Val497Met). This variant is not present in population databases (gnomAD no frequency). This variant has not been reported in the literature in individuals affected with TSC1-related conditions. ClinVar contains an entry for this variant (Variation ID: 466030). Invitae Evidence Modeling of protein sequence and biophysical properties (such as structural, functional, and spatial information, amino acid conservation, physicochemical variation, residue mobility, and thermodynamic stability) indicates that this missense variant is not expected to disrupt TSC1 protein function with a negative predictive value of 95%. In summary, the available evidence is currently insufficient to determine the role of this variant in disease. Therefore, it has been classified as a Variant of Uncertain Significance.

All of Us Research Program, National Institutes of Health
Classification: Uncertain significance for Tuberous sclerosis syndrome. Last evaluated: 2023-08-15. Review status: criteria provided, single submitter. Criteria: ACMG Guidelines, 2015. Collection method: clinical testing. Allele origin: germline. Inheritance: Autosomal dominant inheritance. Observed: 1 variant allele, 1 heterozygote.
Comment: This missense variant replaces valine with methionine at codon 497 of the TSC1 protein. Computational prediction suggests that this variant may not impact protein structure and function (internally defined REVEL score threshold <= 0.5, PMID: 27666373). To our knowledge, functional studies have not been reported for this variant. This variant has not been reported in individuals affected with TSC1-related disorders in the literature. This variant has not been identified in the general population by the Genome Aggregation Database (gnomAD). The available evidence is insufficient to determine the role of this variant in disease conclusively. Therefore, this variant is classified as a Variant of Uncertain Significance.

This study involves interpretation of variants in research participants for the purpose of population health screening. Participant phenotype was not available at the time of variant classification. Additional details can be found in publication PMID: 35346344, PMCID: PMC8962531